The following is an entry in ClinVar:

ClinVar aggregate classification (germline): Likely benign (1 of 4 stars; one submission).

Allele frequency attached by ClinVar (database versions not stated): gnomAD exomes 0.00043; 1000 Genomes Project 0.00300; 1000 Genomes Project 30x 0.00312; gnomAD 0.00372 and 0.00402; TOPMed 0.00431.
gnomAD v4.1: 1,146 of 1,465,436 alleles (0.078%); highest among the groups gnomAD compares: African/African-American, 1.4%; 8 homozygotes.

Submission:

GeneDx
Classification: Likely benign. Last evaluated: 2018-06-14. Review status: criteria provided, single submitter. Criteria: GeneDx Variant Classification (06012015). Collection method: clinical testing. Allele origin: germline. Affected: yes.
Comment: This variant is considered likely benign or benign based on one or more of the following criteria: it is a conservative change, it occurs at a poorly conserved position in the protein, it is predicted to be benign by multiple in silico algorithms, and/or has population frequency not consistent with disease.

NM_032578.4(MYPN):c.1078+69A>T

Gene: MYPN (myopalladin; plus strand). Cytogenetic location: 10q21.3.
Variant type: single nucleotide variant.
Coding change: c.1078+69A>T on transcript NM_032578.4 (MANE Select); 69 bases into the intron after coding-DNA position 1078, A replaced by T.
Molecular consequence: intron variant.
Genome position (GRCh38, 1-based): chr10:68,143,184, A>T. VCF-style: chr10-68143184-A-T. GRCh37 (hg19) VCF-style: chr10-69902941-A-T.
Other names: c.1078+69A>T (NM_001256267.2); c.196+69A>T (NM_001256268.2).
Identifiers: ClinVar variation 672827 (VCV000672827.1), dbSNP rs138924840, ClinGen allele CA208179982.